The following is an entry in ClinVar:

ClinVar aggregate classification (germline): Uncertain significance (1 of 4 stars; one submission).

Conditions:
MOGS-congenital disorder of glycosylation. Also called: CDG IIb; GLUCOSIDASE I DEFICIENCY; CDG 2B; MOGS-CDG. Identifiers: Orphanet 79330, MedGen C1853736, MONDO:0011629, OMIM 606056.

Allele frequency attached by ClinVar (database versions not stated): TOPMed below 0.00001.

Submission:

Labcorp Genetics (formerly Invitae), Labcorp
Classification: Uncertain significance for MOGS-congenital disorder of glycosylation. Last evaluated: 2022-01-11. Review status: criteria provided, single submitter. Criteria: Invitae Variant Classification Sherloc (09022015). Collection method: clinical testing. Allele origin: germline.
Comment: In summary, the available evidence is currently insufficient to determine the role of this variant in disease. Therefore, it has been classified as a Variant of Uncertain Significance. Algorithms developed to predict the effect of missense changes on protein structure and function (SIFT, PolyPhen-2, Align-GVGD) all suggest that this variant is likely to be disruptive. This variant has not been reported in the literature in individuals affected with MOGS-related conditions. This variant is not present in population databases (gnomAD no frequency). This sequence change replaces tryptophan, which is neutral and slightly polar, with arginine, which is basic and polar, at codon 562 of the MOGS protein (p.Trp562Arg).

NM_006302.3(MOGS):c.1684T>C (p.Trp562Arg)

Gene: MOGS (mannosyl-oligosaccharide glucosidase; minus strand). Cytogenetic location: 2p13.1.
Variant type: single nucleotide variant.
Coding change: c.1684T>C on transcript NM_006302.3 (MANE Select); coding-DNA position 1684, T replaced by C.
Protein change: p.Trp562Arg; replaces tryptophan 562 with arginine.
Molecular consequence: missense variant.
Genome position (GRCh38, 1-based): chr2:74,462,105, A>G on the plus strand (T>C on the coding strand, the complement: MOGS is on the minus strand). VCF-style: chr2-74462105-A-G. GRCh37 (hg19) VCF-style: chr2-74689232-A-G.
Other names: c.1366T>C, p.Trp456Arg (NM_001146158.2); short protein forms W562R, W456R.
Identifiers: ClinVar variation 1976993 (VCV001976993.5), dbSNP rs1671928414, ClinGen allele CA347371375.